The following is an entry in ClinVar:

NM_003000.3(SDHB):c.493G>A (p.Glu165Lys)

Gene: SDHB (succinate dehydrogenase complex iron sulfur subunit B; minus strand). Cytogenetic location: 1p36.13.
Variant type: single nucleotide variant.
Coding change: c.493G>A on transcript NM_003000.3 (MANE Select); coding-DNA position 493, G replaced by A.
Protein change: p.Glu165Lys; replaces glutamic acid 165 with lysine.
Molecular consequence: missense variant.
Genome position (GRCh38, 1-based): chr1:17,027,796, C>T on the plus strand (G>A on the coding strand, the complement: SDHB is on the minus strand). VCF-style: chr1-17027796-C-T. GRCh37 (hg19) VCF-style: chr1-17354291-C-T.
Other names: short protein forms E165K.
Identifiers: ClinVar variation 1320918 (VCV001320918.5), dbSNP rs2101521665, ClinGen allele CA338272724.
Genomic context (GRCh38, chr1:17,027,796, plus strand): 5'-AGGGACTAATGACCAGTTTCTCACGCTCTTCTATGGACTGCAGATACTGCTGCTTGCCTT[C>T]CTGAGATTCATCCTTCTTCTTCAAATAAGGCTCAATGGATTTGTACTGTGCATAGAAGTT-3'
Protein context (NP_002991.2, residues 155-175): PYLKKKDESQ[Glu165Lys]GKQQYLQSIE

ClinVar aggregate classification (germline): Uncertain significance. Review status: criteria provided, multiple submitters, no conflicts (2 of 4 stars). 3 submissions from 3 submitters: Uncertain significance (3). Last evaluated 2023-05-16.

Conditions:
Gastrointestinal stromal tumor. Also called: Gastrointestinal stroma tumor; Gastrointestinal stromal tumor, somatic. Identifiers: Orphanet 44890, MedGen C0238198, MeSH D046152, MONDO:0011719, OMIM 606764, HP:0100723.
Hereditary cancer-predisposing syndrome. Also called: Tumor predisposition; Hereditary Cancer Syndrome; Neoplastic Syndromes, Hereditary; Hereditary neoplastic syndrome. Identifiers: Orphanet 140162, MedGen C0027672, MeSH D009386, MONDO:0015356.

Submissions (3):

Baylor Genetics
Classification: Uncertain significance for Gastrointestinal stromal tumor. Last evaluated: 2023-05-16. Review status: criteria provided, single submitter. Criteria: ACMG Guidelines, 2015. Collection method: clinical testing. Allele origin: unknown.

Ambry Genetics
Classification: Uncertain significance for Hereditary cancer-predisposing syndrome. Last evaluated: 2023-01-29. Review status: criteria provided, single submitter. Criteria: Ambry Variant Classification Scheme 2023. Collection method: clinical testing. Allele origin: germline.
Comment: The p.E165K variant (also known as c.493G>A), located in coding exon 5 of the SDHB gene, results from a G to A substitution at nucleotide position 493. The glutamic acid at codon 165 is replaced by lysine, an amino acid with similar properties. This amino acid position is conserved. In addition, this alteration is predicted to be tolerated by in silico analysis. Since supporting evidence is limited at this time, the clinical significance of this alteration remains unclear.

GeneDx
Classification: Uncertain significance. Last evaluated: 2020-11-24. Review status: criteria provided, single submitter. Criteria: GeneDx Variant Classification Process June 2021. Collection method: clinical testing. Allele origin: germline. Affected: yes.
Comment: Not observed in large population cohorts (Lek 2016); In silico analysis supports that this missense variant does not alter protein structure/function; Has not been previously published as pathogenic or benign to our knowledge